The following is an entry in ClinVar:

ClinVar aggregate classification (germline): Uncertain significance (1 of 4 stars; one submission).

Conditions:
TNF receptor-associated periodic fever syndrome (TRAPS) (FPF). Also called: FAMILIAL HIBERNIAN FEVER; TNF RECEPTOR-ASSOCIATED PERIODIC SYNDROME; TUMOR NECROSIS FACTOR RECEPTOR-ASSOCIATED PERIODIC SYNDROME; TNF Receptor-Associated Periodic Fever Syndrome; TNF receptor 1-associated periodic fever syndrome; Autosomal Dominant Familial Periodic Fever. Identifiers: Orphanet 32960, MedGen C1275126, MONDO:0007727, OMIM 142680.

Allele frequency attached by ClinVar (database versions not stated): TOPMed below 0.00001; gnomAD 0.00001; gnomAD exomes 0.00002; ExAC 0.00009.
gnomAD v4.1: 23 of 1,589,670 alleles (0.0014%); highest among the groups gnomAD compares: Non-Finnish European, 0.00094%; no homozygotes.

Submission:

Labcorp Genetics (formerly Invitae), Labcorp
Classification: Uncertain significance for TNF receptor-associated periodic fever syndrome (TRAPS). Last evaluated: 2022-09-23. Review status: criteria provided, single submitter. Criteria: Invitae Variant Classification Sherloc (09022015). Collection method: clinical testing. Allele origin: germline.
Comment: This sequence change replaces proline, which is neutral and non-polar, with alanine, which is neutral and non-polar, at codon 287 of the TNFRSF1A protein (p.Pro287Ala). This variant is present in population databases (rs775479253, gnomAD 0.02%). This variant has not been reported in the literature in individuals affected with TNFRSF1A-related conditions. Advanced modeling of protein sequence and biophysical properties (such as structural, functional, and spatial information, amino acid conservation, physicochemical variation, residue mobility, and thermodynamic stability) has been performed at Invitae for this missense variant, however the output from this modeling did not meet the statistical confidence thresholds required to predict the impact of this variant on TNFRSF1A protein function. In summary, the available evidence is currently insufficient to determine the role of this variant in disease. Therefore, it has been classified as a Variant of Uncertain Significance.

NM_001065.4(TNFRSF1A):c.859C>G (p.Pro287Ala)

Gene: TNFRSF1A (TNF receptor superfamily member 1A; minus strand). Cytogenetic location: 12p13.31.
Variant type: single nucleotide variant.
Coding change: c.859C>G on transcript NM_001065.4 (MANE Select); coding-DNA position 859, C replaced by G.
Protein change: p.Pro287Ala; replaces proline 287 with alanine.
Molecular consequence: missense variant. On other transcripts: non-coding transcript variant (1).
Genome position (GRCh38, 1-based): chr12:6,329,976, G>C on the plus strand (C>G on the coding strand, the complement: TNFRSF1A is on the minus strand). VCF-style: chr12-6329976-G-C. GRCh37 (hg19) VCF-style: chr12-6439142-G-C.
Other names: c.535C>G, p.Pro179Ala (NM_001346091.2); c.400C>G, p.Pro134Ala (NM_001346092.2); short protein forms P179A, P287A, P134A.
Identifiers: ClinVar variation 1993453 (VCV001993453.4), dbSNP rs775479253, ClinGen allele CA6405339.
Genomic context (GRCh38, chr12:6,329,976, plus strand): 5'-AGTTGGGACAGTCACCGGGGGTATAGGTGGAGCTGGAGGTGAAGGTGGAACTGGGCACGG[G>C]ACTGAAGCCCAGGGTGGGGGTGAAGCCTGGAGTGGGACTGAAGCTTGGGTTTGGGGCCAG-3'
Protein context (NP_001056.1, residues 277-297): PGFTPTLGFS[Pro287Ala]VPSSTFTSSS